The following is an entry in ClinVar:

NM_000059.4(BRCA2):c.860T>A (p.Met287Lys)

Gene: BRCA2 (BRCA2 DNA repair associated; plus strand). Cytogenetic location: 13q13.1.
Variant type: single nucleotide variant.
Coding change: c.860T>A on transcript NM_000059.4 (MANE Select); coding-DNA position 860, T replaced by A.
Protein change: p.Met287Lys; replaces methionine 287 with lysine.
Molecular consequence: missense variant.
Genome position (GRCh38, 1-based): chr13:32,332,338, T>A. VCF-style: chr13-32332338-T-A. GRCh37 (hg19) VCF-style: chr13-32906475-T-A.
Other names: c.860T>A (NM_000059.3); short protein forms M287K.
Identifiers: ClinVar variation 1697442 (VCV001697442.12), dbSNP rs2072398884, ClinGen allele CA387760562.

ClinVar aggregate classification (germline): Conflicting classifications of pathogenicity. Review status: criteria provided, conflicting classifications (1 of 4 stars). 3 submissions from 3 submitters: Uncertain significance (1); Likely benign (2). Last evaluated 2025-03-04.

Conditions:
Hereditary cancer-predisposing syndrome. Also called: Hereditary neoplastic syndrome; Tumor predisposition; Neoplastic Syndromes, Hereditary; Hereditary Cancer Syndrome. Identifiers: Orphanet 140162, MedGen C0027672, MeSH D009386, MONDO:0015356.

Allele frequency attached by ClinVar (database versions not stated): gnomAD exomes below 0.00001.
gnomAD v4.1: 2 of 1,600,698 alleles (0.00012%); highest among the groups gnomAD compares: Non-Finnish European, 0.00017%; no homozygotes.

Submissions (3):

Center for Genomic Medicine, Rigshospitalet, Copenhagen University Hospital
Classification: Likely benign. Last evaluated: 2025-03-04. Review status: criteria provided, single submitter. Criteria: ACMG Guidelines, 2015. Collection method: clinical testing. Allele origin: germline.

University of Washington Department of Laboratory Medicine, University of Washington
Classification: Likely benign for Hereditary cancer-predisposing syndrome. Last evaluated: 2023-03-23. Review status: criteria provided, single submitter. Criteria: Dines et al. (Genet Med. 2020). Collection method: curation. Allele origin: germline.
Comment: Missense variant in a coldspot region where missense variants are very unlikely to be pathogenic (PMID:31911673).

BRCA2 exon 10 coldspot. Reclassification based on statistical prior probability.

Ambry Genetics
Classification: Uncertain significance for Hereditary cancer-predisposing syndrome. Last evaluated: 2020-10-24. Review status: criteria provided, single submitter. Criteria: Ambry Variant Classification Scheme 2023. Collection method: clinical testing. Allele origin: germline.
Comment: The p.M287K variant (also known as c.860T>A), located in coding exon 9 of the BRCA2 gene, results from a T to A substitution at nucleotide position 860. The methionine at codon 287 is replaced by lysine, an amino acid with similar properties. This amino acid position is not well conserved in available vertebrate species. In addition, this alteration is predicted to be tolerated by in silico analysis. Since supporting evidence is limited at this time, the clinical significance of this alteration remains unclear.